The following is an entry in ClinVar:

NM_003097.6(SNRPN):c.259C>T (p.Pro87Ser)

Genes: SNHG14 (small nucleolar RNA host gene 14; plus strand), SNRPN (small nuclear ribonucleoprotein polypeptide N; plus strand), SNURF (SNRPN upstream open reading frame; plus strand). Cytogenetic location: 15q11.2.
Variant type: single nucleotide variant.
Coding change: c.259C>T on transcript NM_003097.6 (MANE Select); coding-DNA position 259, C replaced by T.
Protein change: p.Pro87Ser; replaces proline 87 with serine.
Molecular consequence: missense variant. On other transcripts: 3 prime UTR variant (1), intron variant (1), non-coding transcript variant (1).
Genome position (GRCh38, 1-based): chr15:24,976,408, C>T. VCF-style: chr15-24976408-C-T. GRCh37 (hg19) VCF-style: chr15-25221555-C-T.
Other names: c.259C>T, p.Pro87Ser (NM_001400717.1, NM_001400718.1, NM_001400719.1 and 99 more transcripts); c.235C>T, p.Pro79Ser (NM_001400767.1, NM_001378256.1, NM_001378257.1); c.*447C>T (NM_005678.5); c.4-469C>T (NM_001400768.1); c.271C>T, p.Pro91Ser (NM_001378253.1, NM_001378254.1, NM_001378255.1 and 2 more transcripts); short protein forms P79S, P87S, P91S.
Identifiers: ClinVar variation 1806525 (VCV001806525.1), dbSNP rs902699120, ClinGen allele CA391341390.

ClinVar aggregate classification (germline): Uncertain significance (1 of 4 stars; one submission).

Submission:

GeneDx
Classification: Uncertain significance. Last evaluated: 2022-06-22. Review status: criteria provided, single submitter. Criteria: GeneDx Variant Classification Process June 2021. Collection method: clinical testing. Allele origin: germline. Affected: yes.
Comment: Not observed at significant frequency in large population cohorts (gnomAD); In silico analysis supports that this missense variant has a deleterious effect on protein structure/function; Has not been previously published as pathogenic or benign to our knowledge